The following is an entry in ClinVar:

ClinVar aggregate classification (germline): Uncertain significance (1 of 4 stars; one submission).

Conditions:
Charcot-Marie-Tooth disease dominant intermediate C (CMTDIC). Also called: CHARCOT-MARIE-TOOTH NEUROPATHY, DOMINANT INTERMEDIATE C. Identifiers: Orphanet 100045, MedGen C1842237, MONDO:0012012, OMIM 608323.

Submission:

Labcorp Genetics (formerly Invitae), Labcorp
Classification: Uncertain significance for Charcot-Marie-Tooth disease dominant intermediate C. Last evaluated: 2024-12-26. Review status: criteria provided, single submitter. Criteria: Invitae Variant Classification Sherloc (09022015). Collection method: clinical testing. Allele origin: germline.
Comment: This sequence change replaces glutamic acid, which is acidic and polar, with glycine, which is neutral and non-polar, at codon 435 of the YARS protein (p.Glu435Gly). This variant is not present in population databases (gnomAD no frequency). This variant has not been reported in the literature in individuals affected with YARS-related conditions. Invitae Evidence Modeling of protein sequence and biophysical properties (such as structural, functional, and spatial information, amino acid conservation, physicochemical variation, residue mobility, and thermodynamic stability) has been performed for this missense variant. However, the output from this modeling did not meet the statistical confidence thresholds required to predict the impact of this variant on YARS protein function. In summary, the available evidence is currently insufficient to determine the role of this variant in disease. Therefore, it has been classified as a Variant of Uncertain Significance.

NM_003680.4(YARS1):c.1304A>G (p.Glu435Gly)

Gene: YARS1 (tyrosyl-tRNA synthetase 1; minus strand). Cytogenetic location: 1p35.1.
Variant type: single nucleotide variant.
Coding change: c.1304A>G on transcript NM_003680.4 (MANE Select); coding-DNA position 1304, A replaced by G.
Protein change: p.Glu435Gly; replaces glutamic acid 435 with glycine.
Molecular consequence: missense variant.
Genome position (GRCh38, 1-based): chr1:32,780,115, T>C on the plus strand (A>G on the coding strand, the complement: YARS1 is on the minus strand). VCF-style: chr1-32780115-T-C. GRCh37 (hg19) VCF-style: chr1-33245716-T-C.
Other names: short protein forms E435G.
Identifiers: ClinVar variation 3728710 (VCV003728710.2).